The following is an entry in ClinVar:

NM_145290.4(ADGRA3):c.3912C>T (p.Thr1304=)

Gene: ADGRA3 (adhesion G protein-coupled receptor A3; minus strand). Cytogenetic location: 4p15.2.
Variant type: single nucleotide variant.
Coding change: c.3912C>T on transcript NM_145290.4 (MANE Select); coding-DNA position 3912, C replaced by T.
Protein change: p.Thr1304=; no amino-acid change (threonine 1304 retained).
Molecular consequence: synonymous variant.
Genome position (GRCh38, 1-based): chr4:22,387,759, G>A on the plus strand (C>T on the coding strand, the complement: ADGRA3 is on the minus strand). VCF-style: chr4-22387759-G-A. GRCh37 (hg19) VCF-style: chr4-22389382-G-A.
Other names: c.3912C>T (NM_145290.3).
Identifiers: ClinVar variation 1652478 (VCV001652478.10), dbSNP rs756409020, ClinGen allele CA2873268.
Genomic context (GRCh38, chr4:22,387,759, plus strand): 5'-GCAATGTTACACAGTAGTTTCGTGTTTCCATAATCCAGTCCTAACATTGCCAGTGCTATC[G>A]GTACCGAGCAAGGGTCCCTCCTGCCCATTGCTTTTAATTGGTCCATTCTGAATGGCCAAG-3'
Protein context (NP_660333.2, residues 1294-1314): SNGQEGPLLG[Thr1304=]DSTGNVRTGL

ClinVar aggregate classification (germline): Likely benign. Review status: criteria provided, single submitter (1 of 4 stars). 2 submissions from 2 submitters: Likely benign (1). 1 of the submissions does not count toward it. Last evaluated 2025-10-14.

Conditions:
ADGRA3-related disorder. Also called: ADGRA3-related condition.

Allele frequency attached by ClinVar (database versions not stated): gnomAD exomes 0.00001 and 0.00002; ExAC 0.00002; gnomAD 0.00004; TOPMed 0.00004.
gnomAD v4.1: 23 of 1,613,834 alleles (0.0014%); highest among the groups gnomAD compares: African/African-American, 0.0093%; no homozygotes.

Submissions (2):

Labcorp Genetics (formerly Invitae), Labcorp
Classification: Likely benign. Last evaluated: 2025-10-14. Review status: criteria provided, single submitter. Criteria: Invitae Variant Classification Sherloc (09022015). Collection method: clinical testing. Allele origin: germline.

PreventionGenetics, part of Exact Sciences
Classification: Likely benign for ADGRA3-related condition. Last evaluated: 2022-02-21. Review status: no assertion criteria provided. Collection method: clinical testing. Allele origin: germline. Not counted in ClinVar's aggregate classification.
Comment: This variant is classified as likely benign based on ACMG/AMP sequence variant interpretation guidelines (Richards et al. 2015 PMID: 25741868, with internal and published modifications).